The following is an entry in ClinVar:

NM_006031.6(PCNT):c.4775T>G (p.Val1592Gly)

Gene: PCNT (pericentrin; plus strand). Cytogenetic location: 21q22.3.
Variant type: single nucleotide variant.
Coding change: c.4775T>G on transcript NM_006031.6 (MANE Select); coding-DNA position 4775, T replaced by G.
Protein change: p.Val1592Gly; replaces valine 1592 with glycine.
Molecular consequence: missense variant.
Genome position (GRCh38, 1-based): chr21:46,399,780, T>G. VCF-style: chr21-46399780-T-G. GRCh37 (hg19) VCF-style: chr21-47819694-T-G.
Other names: c.4421T>G, p.Val1474Gly (NM_001315529.2); short protein forms V1592G, V1474G.
Identifiers: ClinVar variation 340495 (VCV000340495.16), dbSNP rs141276542, ClinGen allele CA10079766.
Genomic context (GRCh38, chr21:46,399,780, plus strand): 5'-TCAACATCAGGAAAAAAGTGGCCCAGCTCCAGGAAGAAGTGGAAAAACAGAAAAACATCG[T>G]GAAAGGGCTGGAACAGGTAAAGCGTCTCCATGTTGTGGTTGGGCACGTGGTGAGGTGTCC-3'
Protein context (NP_006022.3, residues 1582-1602): QEEVEKQKNI[Val1592Gly]KGLEQDKEVL

ClinVar aggregate classification (germline): Conflicting classifications of pathogenicity. Review status: criteria provided, conflicting classifications (1 of 4 stars). 3 submissions from 3 submitters: Uncertain significance (2); Likely benign (1). Last evaluated 2026-04-14.

Conditions:
PCNT-related disorder. Also called: PCNT-related condition.
Microcephalic osteodysplastic primordial dwarfism type II (MOPD2). Also called: OSTEODYSPLASTIC PRIMORDIAL DWARFISM, TYPE II; Microcephalic osteodysplastic primordial dwarfism with tooth abnormalities; MOPD II. Identifiers: Orphanet 2637, MedGen C0432246, MONDO:0008872, OMIM 210720.

Allele frequency attached by ClinVar (database versions not stated): gnomAD exomes 0.00004 and 0.00013; ExAC 0.00006; TOPMed 0.00009; gnomAD 0.00011; ESP Exome Variant Server 0.00031.
gnomAD v4.1: 222 of 1,613,802 alleles (0.014%); highest among the groups gnomAD compares: Non-Finnish European, 0.017%; no homozygotes.

Submissions (3):

PreventionGenetics, part of Exact Sciences
Classification: Uncertain significance for PCNT-related condition. Last evaluated: 2026-04-14. Review status: criteria provided, single submitter. Criteria: ACMG Guidelines, 2015. Collection method: clinical testing. Allele origin: germline.
Comment: The PCNT c.4775T>G variant is predicted to result in the amino acid substitution p.Val1592Gly. To our knowledge, this variant has not been reported in the literature. This variant is reported in 0.0093% of alleles in individuals of European (non-Finnish) descent in gnomAD. At this time, the clinical significance of this variant is uncertain due to the absence of conclusive functional and genetic evidence.

ARUP Laboratories, Molecular Genetics and Genomics, ARUP Laboratories
Classification: Likely benign for Microcephalic osteodysplastic primordial dwarfism type II. Last evaluated: 2023-10-09. Review status: criteria provided, single submitter. Criteria: ARUP Molecular Germline Variant Investigation Process 2024. Collection method: clinical testing. Allele origin: germline.

Illumina Laboratory Services, Illumina
Classification: Uncertain significance for Microcephalic osteodysplastic primordial dwarfism type II. Last evaluated: 2018-01-13. Review status: criteria provided, single submitter. Criteria: ICSL Variant Classification Criteria 13 December 2019. Collection method: clinical testing. Allele origin: germline.